The following is an entry in ClinVar:

NM_001323289.2(CDKL5):c.1730T>C (p.Met577Thr)

Gene: CDKL5 (cyclin dependent kinase like 5; plus strand). Cytogenetic location: Xp22.13.
Variant type: single nucleotide variant.
Coding change: c.1730T>C on transcript NM_001323289.2 (MANE Select); coding-DNA position 1730, T replaced by C.
Protein change: p.Met577Thr; replaces methionine 577 with threonine.
Molecular consequence: missense variant.
Genome position (GRCh38, 1-based): chrX:18,604,654, T>C. VCF-style: chrX-18604654-T-C. GRCh37 (hg19) VCF-style: chrX-18622774-T-C.
Other names: c.1730T>C, p.Met577Thr (NM_001037343.2, NM_003159.3); short protein forms M577T.
Identifiers: ClinVar variation 377647 (VCV000377647.14), dbSNP rs749822712, ClinGen allele CA10360411.

ClinVar aggregate classification (germline): Likely benign. Review status: criteria provided, multiple submitters, no conflicts (2 of 4 stars). 3 submissions from 3 submitters: Likely benign (3). Last evaluated 2023-10-13.

Conditions:
Developmental and epileptic encephalopathy, 2 (DEE2). Also called: INFANTILE SPASM SYNDROME, X-LINKED 2; CDKL5 deficiency disorder. Identifiers: Orphanet 1934, Orphanet 3451, Orphanet 505652, MedGen C4750718, MONDO:0010396, OMIM 300672.
Angelman syndrome-like. Identifiers: MedGen CN128785.
Inborn genetic diseases. Identifiers: MedGen C0950123, MeSH D030342.

Allele frequency attached by ClinVar (database versions not stated): ExAC 0.00002; gnomAD exomes 0.00002 and 0.00003.
gnomAD v4.1: 23 of 1,211,892 alleles (0.0019%); highest among the groups gnomAD compares: Non-Finnish European, 0.0026%; no homozygotes.

Submissions (3):

Labcorp Genetics (formerly Invitae), Labcorp
Classification: Likely benign for Developmental and epileptic encephalopathy, 2; Angelman syndrome-like. Last evaluated: 2023-10-13. Review status: criteria provided, single submitter. Criteria: Invitae Variant Classification Sherloc (09022015). Collection method: clinical testing. Allele origin: germline.

Ambry Genetics
Classification: Likely benign for Inborn genetic diseases. Last evaluated: 2023-09-14. Review status: criteria provided, single submitter. Criteria: Ambry Variant Classification Scheme 2023. Collection method: clinical testing. Allele origin: germline.

GeneDx
Classification: Likely benign. Last evaluated: 2015-04-13. Review status: criteria provided, single submitter. Criteria: GeneDx Variant Classification (06012015). Collection method: clinical testing. Allele origin: germline. Affected: yes.
Comment: This variant is considered likely benign or benign based on one or more of the following criteria: it is a conservative change, it occurs at a poorly conserved position in the protein, it is predicted to be benign by multiple in silico algorithms, and/or has population frequency not consistent with disease.